The following is an entry in ClinVar:

ClinVar aggregate classification (germline): Conflicting classifications of pathogenicity. Review status: criteria provided, conflicting classifications (1 of 4 stars). 5 submissions from 5 submitters: Uncertain significance (2); Benign (1); Likely benign (2). Last evaluated 2025-10-06.

Conditions:
RAI1-related disorder. Also called: RAI1-related condition.
Inborn genetic diseases. Identifiers: MedGen C0950123, MeSH D030342.
Smith-Magenis syndrome (SMS). Also called: CHROMOSOME 17p11.2 DELETION SYNDROME. Identifiers: Orphanet 819, MedGen C0795864, MONDO:0008434, OMIM 182290.

Allele frequency attached by ClinVar (database versions not stated): ExAC 0.00001; gnomAD exomes 0.00002 and 0.00003; TOPMed 0.00005; gnomAD 0.00006.

Submissions (5):

Labcorp Genetics (formerly Invitae), Labcorp
Classification: Benign. Last evaluated: 2025-10-06. Review status: criteria provided, single submitter. Criteria: Invitae Variant Classification Sherloc (09022015). Collection method: clinical testing. Allele origin: germline.

PreventionGenetics, part of Exact Sciences
Classification: Likely benign for RAI1-related condition. Last evaluated: 2025-04-23. Review status: criteria provided, single submitter. Criteria: ACMG Guidelines, 2015. Collection method: clinical testing. Allele origin: germline.
Comment: This variant is classified as likely benign based on ACMG/AMP sequence variant interpretation guidelines (Richards et al. 2015 PMID: 25741868, with internal and published modifications).

Ambry Genetics
Classification: Likely benign for Inborn genetic diseases. Last evaluated: 2025-03-17. Review status: criteria provided, single submitter. Criteria: Ambry Variant Classification Scheme 2023. Collection method: clinical testing. Allele origin: germline.

Fulgent Genetics
Classification: Uncertain significance for Smith-Magenis syndrome. Last evaluated: 2018-10-31. Review status: criteria provided, single submitter. Criteria: ACMG Guidelines, 2015. Collection method: clinical testing. Allele origin: unknown.

Genetic Services Laboratory, University of Chicago
Classification: Uncertain significance. Last evaluated: 2016-07-28. Review status: criteria provided, single submitter. Criteria: ACMG Guidelines, 2015. Collection method: clinical testing. Allele origin: germline. Affected: no.

NM_030665.4(RAI1):c.3895G>A (p.Asp1299Asn)

Gene: RAI1 (retinoic acid induced 1; plus strand). Cytogenetic location: 17p11.2.
Variant type: single nucleotide variant.
Coding change: c.3895G>A on transcript NM_030665.4 (MANE Select); coding-DNA position 3895, G replaced by A.
Protein change: p.Asp1299Asn; replaces aspartic acid 1299 with asparagine.
Molecular consequence: missense variant.
Genome position (GRCh38, 1-based): chr17:17,796,843, G>A. VCF-style: chr17-17796843-G-A. GRCh37 (hg19) VCF-style: chr17-17700157-G-A.
Other names: short protein forms D1299N.
Identifiers: ClinVar variation 436500 (VCV000436500.14), dbSNP rs750911924, ClinGen allele CA8418858.
Genomic context (GRCh38, chr17:17,796,843, plus strand): 5'-GCCAAGCCCACCAAGGGCAATGGCGAGCCTGCCACAAAGCTCCCACCCCCGGAGACCCCC[G>A]ATGCCTGCCTCAAGCTCGCCTCTCGGGCAGCCTTCCAGGGGGCCATGAAGACCAAGGTGC-3'
Protein context (NP_109590.3, residues 1289-1309): ATKLPPPETP[Asp1299Asn]ACLKLASRAA